The following is an entry in ClinVar:

ClinVar aggregate classification (germline): Uncertain significance (1 of 4 stars; one submission).

Conditions:
Long QT syndrome (LQTS). Identifiers: MedGen C0023976, MeSH D008133, MONDO:0002442. Disease mechanism: loss of function. Inheritance: Various modes of inheritance.

Allele frequency attached by ClinVar (database versions not stated): gnomAD exomes 0.00002; ExAC 0.00003.
gnomAD v4.1: 20 of 1,613,722 alleles (0.0012%); highest among the groups gnomAD compares: South Asian, 0.0066%; no homozygotes.

Submission:

Labcorp Genetics (formerly Invitae), Labcorp
Classification: Uncertain significance for Long QT syndrome. Last evaluated: 2022-01-05. Review status: criteria provided, single submitter. Criteria: Invitae Variant Classification Sherloc (09022015). Collection method: clinical testing. Allele origin: germline.
Comment: This sequence change replaces glutamic acid, which is acidic and polar, with aspartic acid, which is acidic and polar, at codon 850 of the CACNA1C protein (p.Glu850Asp). This variant is present in population databases (rs767204844, gnomAD 0.02%). This variant has not been reported in the literature in individuals affected with CACNA1C-related conditions. ClinVar contains an entry for this variant (Variation ID: 570288). Algorithms developed to predict the effect of missense changes on protein structure and function are either unavailable or do not agree on the potential impact of this missense change (SIFT: "Tolerated"; PolyPhen-2: "Probably Damaging"; Align-GVGD: "Class C0"). In summary, the available evidence is currently insufficient to determine the role of this variant in disease. Therefore, it has been classified as a Variant of Uncertain Significance.

NM_000719.7(CACNA1C):c.2550G>C (p.Glu850Asp)

Gene: CACNA1C (calcium voltage-gated channel subunit alpha1 C; plus strand). Cytogenetic location: 12p13.33.
Variant type: single nucleotide variant.
Coding change: c.2550G>C on transcript NM_000719.7 (MANE Select); coding-DNA position 2550, G replaced by C.
Protein change: p.Glu850Asp; replaces glutamic acid 850 with aspartic acid.
Molecular consequence: missense variant.
Genome position (GRCh38, 1-based): chr12:2,593,232, G>C. VCF-style: chr12-2593232-G-C. GRCh37 (hg19) VCF-style: chr12-2702398-G-C.
Other names: c.2550G>C, p.Glu850Asp (NM_001129827.2, NM_001129829.2, NM_001129830.3 and 18 more transcripts); c.2541G>C, p.Glu847Asp (NM_001129844.2); short protein forms E850D, E847D.
Identifiers: ClinVar variation 570288 (VCV000570288.6), dbSNP rs767204844, ClinGen allele CA6389009.